The following is an entry in ClinVar:

ClinVar aggregate classification (germline): Likely benign. Review status: criteria provided, multiple submitters, no conflicts (2 of 4 stars). 4 submissions from 4 submitters: Likely benign (4). Last evaluated 2025-11-13.

Conditions:
KLHL7-related disorder. Also called: KLHL7-related condition; KLHL7-related disorders.

Allele frequency attached by ClinVar (database versions not stated): ExAC 0.00010; gnomAD 0.00012 and 0.00013; gnomAD exomes 0.00012; TOPMed 0.00012; ESP Exome Variant Server 0.00015.
gnomAD v4.1: 309 of 1,614,108 alleles (0.019%); highest among the groups gnomAD compares: Middle Eastern, 0.049%; no homozygotes.

Submissions (4):

Labcorp Genetics (formerly Invitae), Labcorp
Classification: Likely benign. Last evaluated: 2025-11-13. Review status: criteria provided, single submitter. Criteria: Invitae Variant Classification Sherloc (09022015). Collection method: clinical testing. Allele origin: germline.

PreventionGenetics, part of Exact Sciences
Classification: Likely benign for KLHL7-related condition. Last evaluated: 2024-11-03. Review status: criteria provided, single submitter. Criteria: ACMG Guidelines, 2015. Collection method: clinical testing. Allele origin: germline.
Comment: This variant is classified as likely benign based on ACMG/AMP sequence variant interpretation guidelines (Richards et al. 2015 PMID: 25741868, with internal and published modifications).

Blueprint Genetics
Classification: Likely benign. Last evaluated: 2024-09-06. Review status: criteria provided, single submitter. Criteria: ACMG Guidelines, 2015. Collection method: clinical testing. Allele origin: germline.

CeGaT Center for Human Genetics Tuebingen
Classification: Likely benign. Last evaluated: 2023-02-01. Review status: criteria provided, single submitter. Criteria: CeGaT Center For Human Genetics Tuebingen Variant Classification Criteria Version 2. Collection method: clinical testing. Allele origin: germline. Affected: yes. Observed: 1 variant allele.
Comment: KLHL7: BP4, BP7

NM_001031710.3(KLHL7):c.1584T>C (p.Ser528=)

Gene: KLHL7 (kelch like family member 7; plus strand). Cytogenetic location: 7p15.3.
Variant type: single nucleotide variant.
Coding change: c.1584T>C on transcript NM_001031710.3 (MANE Select); coding-DNA position 1584, T replaced by C.
Protein change: p.Ser528=; no amino-acid change (serine 528 retained).
Molecular consequence: synonymous variant. On other transcripts: non-coding transcript variant (1).
Genome position (GRCh38, 1-based): chr7:23,174,121, T>C. VCF-style: chr7-23174121-T-C. GRCh37 (hg19) VCF-style: chr7-23213740-T-C.
Other names: c.1440T>C, p.Ser480= (NM_018846.5); c.1584T>C (NM_001031710.2).
Identifiers: ClinVar variation 1110873 (VCV001110873.34), dbSNP rs149557100, ClinGen allele CA4186653.